The following is an entry in ClinVar:

NM_003000.3(SDHB):c.-11C>T

Gene: SDHB (succinate dehydrogenase complex iron sulfur subunit B; minus strand). Cytogenetic location: 1p36.13.
Variant type: single nucleotide variant.
Coding change: c.-11C>T on transcript NM_003000.3 (MANE Select); 11 bases upstream of the start codon, C replaced by T.
Molecular consequence: 5 prime UTR variant.
Genome position (GRCh38, 1-based): chr1:17,054,030, G>A on the plus strand (C>T on the coding strand, the complement: SDHB is on the minus strand). VCF-style: chr1-17054030-G-A. GRCh37 (hg19) VCF-style: chr1-17380525-G-A.
Other names: c.-11C>T (NM_001407361.1).
Identifiers: ClinVar variation 4757130 (VCV004757130.1).

ClinVar aggregate classification (germline): Uncertain significance (1 of 4 stars; one submission).

Conditions:
Hereditary pheochromocytoma and paraganglioma. Also called: Hereditary Paraganglioma-Pheochromocytoma Syndromes; Hereditary paragangliomas and pheochromocytomas; Hereditary pheochromocytoma-paraganglioma. Identifiers: Orphanet 29072, MedGen C4274332, MONDO:0017366.

gnomAD v4.1: 4 of 1,604,504 alleles (0.00025%); highest among the groups gnomAD compares: Admixed American, 0.005%; no homozygotes.

Submission:

Color Diagnostics, LLC DBA Color Health
Classification: Uncertain significance for Hereditary pheochromocytoma and paraganglioma. Last evaluated: 2025-06-23. Review status: criteria provided, single submitter. Criteria: ACMG Guidelines, 2015. Collection method: clinical testing. Allele origin: germline.
Comment: This variant is located in the 5' untranslated region of the SDHB gene. To our knowledge, functional studies have not been reported for this variant. This variant has not been reported in individuals affected with SDHB-related disorders in the literature. This variant has been identified in 1/239308 chromosomes in the general population by the Genome Aggregation Database (gnomAD). The available evidence is insufficient to determine the role of this variant in disease conclusively. Therefore, this variant is classified as a Variant of Uncertain Significance.